The following is an entry in ClinVar:

NM_000548.5(TSC2):c.2598C>A (p.Ala866=)

Gene: TSC2 (TSC complex subunit 2; plus strand). Cytogenetic location: 16p13.3.
Variant type: single nucleotide variant.
Coding change: c.2598C>A on transcript NM_000548.5 (MANE Select); coding-DNA position 2598, C replaced by A.
Protein change: p.Ala866=; no amino-acid change (alanine 866 retained).
Molecular consequence: synonymous variant.
Genome position (GRCh38, 1-based): chr16:2,075,851, C>A. VCF-style: chr16-2075851-C-A. GRCh37 (hg19) VCF-style: chr16-2125852-C-A.
Other names: c.2598C>A (NM_000548.3); c.2598C>A, p.Ala866= (NM_001077183.3, NM_001114382.3, NM_001363528.2 and 3 more transcripts); c.2487C>A, p.Ala829= (NM_001318827.2); c.2451C>A, p.Ala817= (NM_001318829.2); c.1998C>A, p.Ala666= (NM_001318831.2); c.2631C>A, p.Ala877= (NM_001318832.2).
Identifiers: ClinVar variation 1119034 (VCV001119034.12), dbSNP rs1395372159, ClinGen allele CA492953486.

ClinVar aggregate classification (germline): Benign/Likely benign. Review status: criteria provided, multiple submitters, no conflicts (2 of 4 stars). 4 submissions from 4 submitters: Benign (1); Likely benign (3). Last evaluated 2025-05-20.

Conditions:
Hereditary cancer-predisposing syndrome. Also called: Neoplastic Syndromes, Hereditary; Hereditary Cancer Syndrome; Hereditary neoplastic syndrome; Tumor predisposition. Identifiers: Orphanet 140162, MedGen C0027672, MeSH D009386, MONDO:0015356.
Tuberous sclerosis syndrome (TSC). Also called: Tuberous Sclerosis Complex; Tuberous sclerosis. Identifiers: Orphanet 805, MedGen C0041341, MONDO:0001734.
Tuberous sclerosis 2 (TSC2). Identifiers: Orphanet 805, MedGen C1860707, MONDO:0013199, OMIM 613254.

Submissions (4):

Myriad Genetics, Inc.
Classification: Benign for Tuberous sclerosis 2. Last evaluated: 2025-05-20. Review status: criteria provided, single submitter. Criteria: Myriad Autosomal Dominant, Autosomal Recessive and X-Linked Classification Criteria (2023). Collection method: clinical testing. Allele origin: unknown.
Comment: This variant is considered benign. This variant is a silent/synonymous amino acid change and it is not expected to impact splicing.

Ambry Genetics
Classification: Likely benign for Hereditary cancer-predisposing syndrome. Last evaluated: 2024-07-09. Review status: criteria provided, single submitter. Criteria: Ambry Variant Classification Scheme 2023. Collection method: clinical testing. Allele origin: germline.

Labcorp Genetics (formerly Invitae), Labcorp
Classification: Likely benign for Tuberous sclerosis 2. Last evaluated: 2023-12-03. Review status: criteria provided, single submitter. Criteria: Invitae Variant Classification Sherloc (09022015). Collection method: clinical testing. Allele origin: germline.

Color Diagnostics, LLC DBA Color Health
Classification: Likely benign for Tuberous sclerosis syndrome. Last evaluated: 2022-09-27. Review status: criteria provided, single submitter. Criteria: ACMG Guidelines, 2015. Collection method: clinical testing. Allele origin: germline.